The following is an entry in ClinVar:

NM_003000.3(SDHB):c.581C>A (p.Thr194Asn)

Gene: SDHB (succinate dehydrogenase complex iron sulfur subunit B; minus strand). Cytogenetic location: 1p36.13.
Variant type: single nucleotide variant.
Coding change: c.581C>A on transcript NM_003000.3 (MANE Select); coding-DNA position 581, C replaced by A.
Protein change: p.Thr194Asn; replaces threonine 194 with asparagine.
Molecular consequence: missense variant.
Genome position (GRCh38, 1-based): chr1:17,024,034, G>T on the plus strand (C>A on the coding strand, the complement: SDHB is on the minus strand). VCF-style: chr1-17024034-G-T. GRCh37 (hg19) VCF-style: chr1-17350529-G-T.
Other names: c.527C>A, p.Thr176Asn (NM_001407361.1); short protein forms T194N, T176N.
Identifiers: ClinVar variation 3438756 (VCV003438756.1).

ClinVar aggregate classification (germline): Uncertain significance (1 of 4 stars; one submission).

Conditions:
Hereditary cancer-predisposing syndrome. Also called: Tumor predisposition; Neoplastic Syndromes, Hereditary; Hereditary neoplastic syndrome; Hereditary Cancer Syndrome. Identifiers: Orphanet 140162, MedGen C0027672, MeSH D009386, MONDO:0015356.

Submission:

Ambry Genetics
Classification: Uncertain significance for Hereditary cancer-predisposing syndrome. Last evaluated: 2024-07-01. Review status: criteria provided, single submitter. Criteria: Ambry Variant Classification Scheme 2023. Collection method: clinical testing. Allele origin: germline.
Comment: The p.T194N variant (also known as c.581C>A), located in coding exon 6 of the SDHB gene, results from a C to A substitution at nucleotide position 581. The threonine at codon 194 is replaced by asparagine, an amino acid with similar properties. This amino acid position is conserved. In addition, this alteration is predicted to be deleterious by in silico analysis. Based on the available evidence, the clinical significance of this variant remains unclear.